The following is an entry in ClinVar:

ClinVar aggregate classification (germline): Benign/Likely benign. Review status: criteria provided, multiple submitters, no conflicts (2 of 4 stars). 6 submissions from 6 submitters: Benign (3); Likely benign (3). Last evaluated 2026-04-09.

Conditions:
SCN10A-related disorder. Also called: SCN10A-related condition.
Cardiovascular phenotype. Identifiers: MedGen CN230736.
Brugada syndrome. Also called: Sudden unexpected nocturnal death syndrome; Sudden Unexplained Death Syndrome; Sudden Unexplained Nocturnal Death Syndrome (SUNDS); Sudden unexplained nocturnal death syndrome. Identifiers: Orphanet 130, MedGen C1142166, MONDO:0015263.

Allele frequency attached by ClinVar (database versions not stated): gnomAD 0.00002 and 0.00021; TOPMed 0.00005; ESP Exome Variant Server 0.00008; gnomAD exomes 0.00090; ExAC 0.00101; 1000 Genomes Project 30x 0.00125; 1000 Genomes Project 0.00140.
gnomAD v4.1: 694 of 1,614,182 alleles (0.043%); highest among the groups gnomAD compares: South Asian, 0.73%; 8 homozygotes.

Submissions (6):

PreventionGenetics, part of Exact Sciences
Classification: Benign for SCN10A-related condition. Last evaluated: 2026-04-09. Review status: criteria provided, single submitter. Criteria: ACMG Guidelines, 2015. Collection method: clinical testing. Allele origin: germline.
Comment: This variant is classified as benign based on ACMG/AMP sequence variant interpretation guidelines (Richards et al. 2015 PMID: 25741868, with internal and published modifications).

Labcorp Genetics (formerly Invitae), Labcorp
Classification: Benign for Brugada syndrome. Last evaluated: 2025-04-17. Review status: criteria provided, single submitter. Criteria: Invitae Variant Classification Sherloc (09022015). Collection method: clinical testing. Allele origin: germline.

Blueprint Genetics
Classification: Likely benign. Last evaluated: 2024-07-06. Review status: criteria provided, single submitter. Criteria: ACMG Guidelines, 2015. Collection method: clinical testing. Allele origin: germline.

Mayo Clinic Laboratories, Mayo Clinic
Classification: Benign. Last evaluated: 2022-06-28. Review status: criteria provided, single submitter. Criteria: ACMG Guidelines, 2015. Collection method: clinical testing. Allele origin: germline. Observed: 2 variant alleles.
Comment: BS1, BS2

Ambry Genetics
Classification: Likely benign for Cardiovascular phenotype. Last evaluated: 2022-01-06. Review status: criteria provided, single submitter. Criteria: Ambry Variant Classification Scheme 2023. Collection method: clinical testing. Allele origin: germline.

GeneDx
Classification: Likely benign. Last evaluated: 2016-12-01. Review status: criteria provided, single submitter. Criteria: GeneDx Variant Classification (06012015). Collection method: clinical testing. Allele origin: germline. Affected: yes.
Comment: This variant is considered likely benign or benign based on one or more of the following criteria: it is a conservative change, it occurs at a poorly conserved position in the protein, it is predicted to be benign by multiple in silico algorithms, and/or has population frequency not consistent with disease.

NM_006514.4(SCN10A):c.5834A>G (p.Glu1945Gly)

Gene: SCN10A (sodium voltage-gated channel alpha subunit 10; minus strand). Cytogenetic location: 3p22.2.
Variant type: single nucleotide variant.
Coding change: c.5834A>G on transcript NM_006514.4 (MANE Select); coding-DNA position 5834, A replaced by G.
Protein change: p.Glu1945Gly; replaces glutamic acid 1945 with glycine.
Molecular consequence: missense variant.
Genome position (GRCh38, 1-based): chr3:38,697,386, T>C on the plus strand (A>G on the coding strand, the complement: SCN10A is on the minus strand). VCF-style: chr3-38697386-T-C. GRCh37 (hg19) VCF-style: chr3-38738877-T-C.
Other names: p.Glu1945Gly; c.5831A>G, p.Glu1944Gly (NM_001293306.2); c.5540A>G, p.Glu1847Gly (NM_001293307.2); short protein forms E1945G, E1944G, E1847G.
Identifiers: ClinVar variation 391439 (VCV000391439.16), dbSNP rs372702302, ClinGen allele CA2319586.